The following is an entry in ClinVar:

ClinVar aggregate classification (germline): Likely pathogenic (1 of 4 stars; one submission).

Submission:

CeGaT Center for Human Genetics Tuebingen
Classification: Likely pathogenic. Last evaluated: 2026-07-01. Review status: criteria provided, single submitter. Criteria: CeGaT Center For Human Genetics Tuebingen Variant Classification Criteria Version 2. Collection method: clinical testing. Allele origin: germline. Affected: yes. Observed: 1 variant allele.
Comment: NR2F1: PVS1:Strong, PM2

NM_005654.6(NR2F1):c.1004_1017del (p.Leu335fs)

Gene: NR2F1 (nuclear receptor subfamily 2 group F member 1; plus strand). Cytogenetic location: 5q15.
Variant type: Deletion.
Coding change: c.1004_1017del on transcript NM_005654.6 (MANE Select); coding-DNA positions 1004 to 1017, 14 bases deleted (TGTCGGATGCGGCC).
Protein change: p.Leu335fs; shifts the reading frame from leucine 335.
Molecular consequence: frameshift variant.
Genome position (GRCh38, 1-based): chr5:93,593,574-93,593,587, TGTCGGATGCGGCC deleted; deleting any 14 consecutive bases within chr5:93,593,570-93,593,587 gives the same sequence; the c. name uses the placement nearest the transcript's 3' end. VCF-style (leftmost placement, unchanged base first): chr5-93593569-TGGCCTGTCGGATGC-T. GRCh37 (hg19) VCF-style: chr5-92929275-TGGCCTGTCGGATGC-T.
Other names: c.554_567del, p.Leu185fs (NM_001410754.1); short protein forms L185fs, L335fs.
Identifiers: ClinVar variation 5040480 (VCV005040480.1).